The following is an entry in ClinVar:

NM_004211.5(SLC6A5):c.1277C>G (p.Ala426Gly)

Gene: SLC6A5 (solute carrier family 6 member 5; plus strand). Cytogenetic location: 11p15.1.
Variant type: single nucleotide variant.
Coding change: c.1277C>G on transcript NM_004211.5 (MANE Select); coding-DNA position 1277, C replaced by G.
Protein change: p.Ala426Gly; replaces alanine 426 with glycine.
Molecular consequence: missense variant.
Genome position (GRCh38, 1-based): chr11:20,626,724, C>G. VCF-style: chr11-20626724-C-G. GRCh37 (hg19) VCF-style: chr11-20648270-C-G.
Other names: c.575C>G, p.Ala192Gly (NM_001318369.2); short protein forms A426G, A192G.
Identifiers: ClinVar variation 304019 (VCV000304019.12), dbSNP rs375955428, ClinGen allele CA5921395.

ClinVar aggregate classification (germline): Uncertain significance. Review status: criteria provided, multiple submitters, no conflicts (2 of 4 stars). 3 submissions from 3 submitters: Uncertain significance (3). Last evaluated 2024-09-25.

Conditions:
Inborn genetic diseases. Identifiers: MedGen C0950123, MeSH D030342.
Hyperekplexia 3 (HKPX3). Also called: HYPEREKPLEXIA 3, AUTOSOMAL RECESSIVE; HYPEREKPLEXIA 3, AUTOSOMAL DOMINANT. Identifiers: Orphanet 3197, MedGen C3553288, MONDO:0013827, OMIM 614618.

Allele frequency attached by ClinVar (database versions not stated): gnomAD exomes 0.00006; ExAC 0.00007; gnomAD 0.00007; TOPMed 0.00007; ESP Exome Variant Server 0.00008.
gnomAD v4.1: 162 of 1,613,988 alleles (0.01%); highest among the groups gnomAD compares: Non-Finnish European, 0.013%; no homozygotes.

Submissions (3):

Ambry Genetics
Classification: Uncertain significance for Inborn genetic diseases. Last evaluated: 2024-09-25. Review status: criteria provided, single submitter. Criteria: Ambry Variant Classification Scheme 2023. Collection method: clinical testing. Allele origin: germline.

Labcorp Genetics (formerly Invitae), Labcorp
Classification: Uncertain significance for Hyperekplexia 3. Last evaluated: 2022-09-01. Review status: criteria provided, single submitter. Criteria: Invitae Variant Classification Sherloc (09022015). Collection method: clinical testing. Allele origin: germline.
Comment: This sequence change replaces alanine, which is neutral and non-polar, with glycine, which is neutral and non-polar, at codon 426 of the SLC6A5 protein (p.Ala426Gly). This variant is present in population databases (rs375955428, gnomAD 0.01%). This variant has not been reported in the literature in individuals affected with SLC6A5-related conditions. ClinVar contains an entry for this variant (Variation ID: 304019). Algorithms developed to predict the effect of missense changes on protein structure and function are either unavailable or do not agree on the potential impact of this missense change (SIFT: "Deleterious"; PolyPhen-2: "Probably Damaging"; Align-GVGD: "Class C0"). In summary, the available evidence is currently insufficient to determine the role of this variant in disease. Therefore, it has been classified as a Variant of Uncertain Significance.

Department of Pathology and Laboratory Medicine, Sinai Health System
Classification: Uncertain significance for Hyperekplexia 3. Last evaluated: 2021-07-30. Review status: criteria provided, single submitter. Criteria: ACMG Guidelines, 2015. Collection method: research. Allele origin: germline.